The following is an entry in ClinVar:

NM_012203.2(GRHPR):c.107C>A (p.Ser36Ter)

Gene: GRHPR (glyoxylate and hydroxypyruvate reductase; plus strand). Cytogenetic location: 9p13.2.
Variant type: single nucleotide variant.
Coding change: c.107C>A on transcript NM_012203.2 (MANE Select); coding-DNA position 107, C replaced by A.
Protein change: p.Ser36Ter; replaces serine 36 with a stop codon.
Molecular consequence: nonsense.
Genome position (GRCh38, 1-based): chr9:37,424,868, C>A. VCF-style: chr9-37424868-C-A. GRCh37 (hg19) VCF-style: chr9-37424865-C-A.
Other names: short protein forms S36*.
Identifiers: ClinVar variation 1460348 (VCV001460348.6), dbSNP rs768530117, ClinGen allele CA373441392.

ClinVar aggregate classification (germline): Pathogenic (1 of 4 stars; one submission).

gnomAD v4.1: 1 of 1,613,330 alleles (0.000062%); highest among the groups gnomAD compares: South Asian, 0.0011%; no homozygotes.

Submission:

Labcorp Genetics (formerly Invitae), Labcorp
Classification: Pathogenic. Last evaluated: 2021-08-18. Review status: criteria provided, single submitter. Criteria: Invitae Variant Classification Sherloc (09022015). Collection method: clinical testing. Allele origin: germline.
Comment: For these reasons, this variant has been classified as Pathogenic. This sequence change creates a premature translational stop signal (p.Ser36*) in the GRHPR gene. It is expected to result in an absent or disrupted protein product. Loss-of-function variants in GRHPR are known to be pathogenic (PMID: 25644115). This variant is not present in population databases (ExAC no frequency). This variant has not been reported in the literature in individuals affected with GRHPR-related conditions.

Literature cited by the submitters: PubMed 25644115.